The following is an entry in ClinVar:

NM_002742.3(PRKD1):c.1725+5G>C

Gene: PRKD1 (protein kinase D1; minus strand). Cytogenetic location: 14q12.
Variant type: single nucleotide variant.
Coding change: c.1725+5G>C on transcript NM_002742.3 (MANE Select); 5 bases into the intron after coding-DNA position 1725, G replaced by C.
Molecular consequence: intron variant.
Genome position (GRCh38, 1-based): chr14:29,629,036, C>G on the plus strand (G>C on the coding strand, the complement: PRKD1 is on the minus strand). VCF-style: chr14-29629036-C-G. GRCh37 (hg19) VCF-style: chr14-30098242-C-G.
Other names: c.1749+5G>C (NM_001330069.2); c.1461+5G>C (NM_001348390.1).
Identifiers: ClinVar variation 5002629 (VCV005002629.1).
Genomic context (GRCh38, chr14:29,629,036, plus strand): 5'-TTTATGATGCTTTTATTTTCCAGTAATCACATTAGCAAGTTTTATATTAGTAGGTACATA[C>G]TTACCACATTTTCTTGAATCTGGCAATTTGATACTGAAATACTCACAGAGATATCTCCTG-3'

ClinVar aggregate classification (germline): Uncertain significance (1 of 4 stars; one submission).

Conditions:
PRKD1-related disorder. Also called: PRKD1-related condition.

gnomAD v4.1: 4 of 1,592,486 alleles (0.00025%); highest among the groups gnomAD compares: Non-Finnish European, 0.00026%; no homozygotes.

Submission:

PreventionGenetics, part of Exact Sciences
Classification: Uncertain significance for PRKD1-related condition. Last evaluated: 2025-01-12. Review status: criteria provided, single submitter. Criteria: ACMG Guidelines, 2015. Collection method: clinical testing. Allele origin: germline.
Comment: The PRKD1 c.1749+5G>C variant is predicted to interfere with splicing. This variant is predicted to reduce the strength of the canonical splice donor site (SpliceAI, Jaganathan et al. 2019. PubMed ID: 30661751). To our knowledge, this variant has not been reported in the literature. This variant is reported in 0.0027% of alleles in individuals of European (Non-Finnish) descent in gnomAD. At this time, the clinical significance of this variant is uncertain due to the absence of conclusive functional and genetic evidence.